The following is an entry in ClinVar:

ClinVar aggregate classification (germline): Likely benign. Review status: criteria provided, multiple submitters, no conflicts (2 of 4 stars). 3 submissions from 3 submitters: Likely benign (2). 1 of the submissions does not count toward it. Last evaluated 2025-10-01.

Conditions:
Inborn genetic diseases. Identifiers: MedGen C0950123, MeSH D030342.
KMT5B-related disorder. Also called: KMT5B-related condition.

Allele frequency attached by ClinVar (database versions not stated): 1000 Genomes Project 0.00040; ESP Exome Variant Server 0.00046; TOPMed 0.00048; gnomAD exomes 0.00053; gnomAD 0.00054; 1000 Genomes Project 30x 0.00062; ExAC 0.00068.
gnomAD v4.1: 855 of 1,613,996 alleles (0.053%); highest among the groups gnomAD compares: Middle Eastern, 0.33%; no homozygotes.

Submissions (3):

CeGaT Center for Human Genetics Tuebingen
Classification: Likely benign. Last evaluated: 2025-10-01. Review status: criteria provided, single submitter. Criteria: CeGaT Center For Human Genetics Tuebingen Variant Classification Criteria Version 2. Collection method: clinical testing. Allele origin: germline. Affected: yes. Observed: 5 variant alleles.
Comment: KMT5B: BP4, BS1

Ambry Genetics
Classification: Likely benign for Inborn genetic diseases. Last evaluated: 2021-08-30. Review status: criteria provided, single submitter. Criteria: Ambry Variant Classification Scheme 2023. Collection method: clinical testing. Allele origin: germline.

PreventionGenetics, part of Exact Sciences
Classification: Likely benign for KMT5B-related condition. Last evaluated: 2022-02-26. Review status: no assertion criteria provided. Collection method: clinical testing. Allele origin: germline. Not counted in ClinVar's aggregate classification.
Comment: This variant is classified as likely benign based on ACMG/AMP sequence variant interpretation guidelines (Richards et al. 2015 PMID: 25741868, with internal and published modifications).

NM_017635.5(KMT5B):c.1786C>G (p.Gln596Glu)

Gene: KMT5B (lysine methyltransferase 5B; minus strand). Cytogenetic location: 11q13.2.
Variant type: single nucleotide variant.
Coding change: c.1786C>G on transcript NM_017635.5 (MANE Select); coding-DNA position 1786, C replaced by G.
Protein change: p.Gln596Glu; replaces glutamine 596 with glutamic acid.
Molecular consequence: missense variant.
Genome position (GRCh38, 1-based): chr11:68,158,560, G>C on the plus strand (C>G on the coding strand, the complement: KMT5B is on the minus strand). VCF-style: chr11-68158560-G-C. GRCh37 (hg19) VCF-style: chr11-67926027-G-C.
Other names: c.1270C>G, p.Gln424Glu (NM_001300907.1, NM_001369428.1, NM_001369429.1 and 4 more transcripts); c.1066C>G, p.Gln356Glu (NM_001300908.2); c.1786C>G, p.Gln596Glu (NM_001369426.1); c.1786C>G (NM_017635.4); short protein forms Q356E, Q424E, Q596E.
Identifiers: ClinVar variation 2357621 (VCV002357621.26), dbSNP rs187695236, ClinGen allele CA6148117.